The following is an entry in ClinVar:

NM_002968.3(SALL1):c.3574C>T (p.Arg1192Ter)

Gene: SALL1 (spalt like transcription factor 1; minus strand). Cytogenetic location: 16q12.1.
Variant type: single nucleotide variant.
Coding change: c.3574C>T on transcript NM_002968.3 (MANE Select); coding-DNA position 3574, C replaced by T.
Protein change: p.Arg1192Ter; replaces arginine 1192 with a stop codon.
Molecular consequence: nonsense.
Genome position (GRCh38, 1-based): chr16:51,137,513, G>A on the plus strand (C>T on the coding strand, the complement: SALL1 is on the minus strand). VCF-style: chr16-51137513-G-A. GRCh37 (hg19) VCF-style: chr16-51171424-G-A.
Other names: c.3283C>T, p.Arg1095Ter (NM_001127892.2); short protein forms R1095*, R1192*.
Identifiers: ClinVar variation 4879633 (VCV004879633.1).
Genomic context (GRCh38, chr16:51,137,513, plus strand): 5'-TGACGGGATTGCCTCCTAGAAATGTCATGGGGCCATCCACAGAGAGCCGCCGACCCCGTC[G>A]TGCAGGGGTGCTATTCCACATGTGAGTGCCCATGTGTACCTGAGATATGGGGAGGGCAGG-3'

ClinVar aggregate classification (germline): Uncertain significance (1 of 4 stars; one submission).

Conditions:
Townes-Brocks syndrome 1 (TBS1). Also called: DEAFNESS, SENSORINEURAL, WITH IMPERFORATE ANUS AND THUMB ANOMALIES; SALL1-Related Townes-Brocks Syndrome; REAR SYNDROME; RENAL-EAR-ANAL-RADIAL SYNDROME. Identifiers: Orphanet 857, MedGen C4551481, MONDO:0054581, OMIM 107480.

gnomAD v4.1: 5 of 1,613,716 alleles (0.00031%); highest among the groups gnomAD compares: African/African-American, 0.0013%; no homozygotes.

Submission:

Victorian Clinical Genetics Services, Murdoch Childrens Research Institute
Classification: Uncertain significance for Townes-Brocks syndrome 1. Last evaluated: 2026-04-01. Review status: criteria provided, single submitter. Criteria: ACMG Guidelines, 2015. Collection method: clinical testing. Allele origin: germline.
Comment: This variant is classified as VUS-3B. Evidence in support of pathogenic classification: Variant is predicted to result in a truncated protein (premature termination codon is NOT located at least 54 nucleotides upstream of the final exon-exon junction) with less than 1/3 of the protein sequence affected; Variant is present in gnomAD <0.001 for a dominant condition (v4: 5 heterozygote(s), 0 homozygote(s)); Other protein truncating variant(s) comparable to the one identified in this case have moderate previous evidence for pathogenicity. p.(Gln1286*) has been classified as likely pathogenic by a clinical laboratory in ClinVar, and p.(Asp1229Glufs*48) has been reported in the literature in an individual with moderate hearing loss (PMID: 38296632). Additional information: This variant is heterozygous; This gene is associated with autosomal dominant disease; This variant has no previous evidence of pathogenicity; No published evidence of segregation with disease has been identified for this variant; No published functional evidence has been identified for this variant; Loss of function is a known mechanism of disease in this gene and is associated with Townes-Brocks syndrome 1 (MIM#107480) and Townes-Brocks branchiootorenal-like syndrome (MIM#107480). NMD escape has been demonstrated for a single PTC in the 5' end of exon 2, where dominant negative or gain of function is a suggested mechanism (PMID: 20301618); Variants in this gene are known to have variable expressivity. Pathogenic variants within the 5' end exon 2 hot spot region appear to be associated with a more severe outcome than pathogenic variants towards the 3' end in exon 2 (PMID: 20301618); Inheritance information for this variant is not currently available in this individual.

Literature cited by the submitters: PubMed 20301618; PubMed 38296632.